The following is an entry in ClinVar:

ClinVar aggregate classification (germline): Likely pathogenic (1 of 4 stars; one submission).

Submission:

Dasa
Classification: Likely pathogenic. Last evaluated: 2024-10-03. Review status: criteria provided, single submitter. Criteria: DASA Assertion Criteria. Collection method: clinical testing. Allele origin: germline.
Comment: NM_052989.3(IFT122):c.866_870del (p.Phe289*) is a frameshift variant in IFT122 predicted to alter the reading frame and introduce a premature termination codon and is predicted to result in an absent or altered protein product. Loss of function is an established disease mechanism for IFT122-associated disorders. Also, this variant is rare in population databases. Based on the currently available evidence, this variant is classified as likely pathogenic.

NM_052989.3(IFT122):c.866_870del (p.Tyr288_Phe289insTer)

Gene: IFT122 (intraflagellar transport 122; plus strand). Cytogenetic location: 3q21.3.
Variant type: Deletion.
Coding change: c.866_870del on transcript NM_052989.3 (MANE Select); coding-DNA positions 866 to 870, 5 bases deleted (TTACT; older notation c.866_870delTTACT).
Protein change: p.Tyr288_Phe289insTer.
Molecular consequence: nonsense.
Genome position (GRCh38, 1-based): chr3:129,476,364-129,476,368, TTACT deleted; deleting any 5 consecutive bases within chr3:129,476,360-129,476,368 gives the same sequence; the c. name uses the placement nearest the transcript's 3' end. VCF-style (leftmost placement, unchanged base first): chr3-129476359-CTACTT-C. GRCh37 (hg19) VCF-style: chr3-129195202-CTACTT-C.
Other names: c.842_846del, p.Tyr280_Phe281insTer (NM_001280541.2); c.533_537del, p.Tyr177_Phe178insTer (NM_052990.3, NM_001410815.1, NM_001410817.1 and 1 more transcripts); c.416_420del, p.Tyr138_Phe139insTer (NM_001280545.2); c.239_243del, p.Tyr79_Phe80insTer (NM_001280546.2); c.866_870del, p.Tyr288_Phe289insTer (NM_001410808.1, NM_001410809.1); c.689_693del, p.Tyr229_Phe230insTer (NM_001410810.1, NM_001410811.1, NM_001410813.1 and 1 more transcripts); c.710_714del, p.Tyr236_Phe237insTer (NM_001438637.1, NM_001438638.1, NM_001438639.1 and 1 more transcripts); c.1019_1023del, p.Tyr339_Phe340insTer (NM_052985.4).
Identifiers: ClinVar variation 4880764 (VCV004880764.2).